The following is an entry in ClinVar:

NM_022124.6(CDH23):c.9860G>A (p.Gly3287Asp)

Gene: CDH23 (cadherin related 23; plus strand). Cytogenetic location: 10q22.1.
Variant type: single nucleotide variant.
Coding change: c.9860G>A on transcript NM_022124.6 (MANE Select); coding-DNA position 9860, G replaced by A.
Protein change: p.Gly3287Asp; replaces glycine 3287 with aspartic acid.
Molecular consequence: missense variant.
Genome position (GRCh38, 1-based): chr10:71,815,073, G>A. VCF-style: chr10-71815073-G-A. GRCh37 (hg19) VCF-style: chr10-73574830-G-A.
Other names: c.3140G>A, p.Gly1047Asp (NM_001171933.1); c.3035G>A, p.Gly1012Asp (NM_001171934.1); c.551G>A, p.Gly184Asp (NM_001171935.1); c.446G>A, p.Gly149Asp (NM_001171936.1); short protein forms G3287D, G149D, G1047D, G1012D, G184D.
Identifiers: ClinVar variation 300477 (VCV000300477.19), dbSNP rs562590210, ClinGen allele CA5547193.

ClinVar aggregate classification (germline): Conflicting classifications of pathogenicity. Review status: criteria provided, conflicting classifications (1 of 4 stars). 8 submissions from 7 submitters: Uncertain significance (6); Likely benign (1). 1 of the submissions does not count toward it. Last evaluated 2025-04-07.

Conditions:
Inborn genetic diseases. Identifiers: MedGen C0950123, MeSH D030342.
Autosomal recessive nonsyndromic hearing loss 12. Also called: DEAFNESS, AUTOSOMAL RECESSIVE 12. Identifiers: Orphanet 90636, MedGen C1832394, MONDO:0011067, OMIM 601386.
Usher syndrome type 1 (USH1). Also called: RETINITIS PIGMENTOSA AND CONGENITAL DEAFNESS. Identifiers: Orphanet 231169, Orphanet 886, MedGen C1568247, MONDO:0010168, OMIM 276900.
Usher syndrome type 1D (USH1D). Also called: USHER SYNDROME, TYPE ID. Identifiers: Orphanet 231169, Orphanet 886, MedGen C1832845, MONDO:0010984, OMIM 601067.

Allele frequency attached by ClinVar (database versions not stated): gnomAD 0.00001; TOPMed 0.00002; ExAC 0.00004; gnomAD exomes 0.00006; 1000 Genomes Project 30x 0.00016; 1000 Genomes Project 0.00020.
gnomAD v4.1: 17 of 1,611,534 alleles (0.0011%); highest among the groups gnomAD compares: East Asian, 0.031%; no homozygotes.

Submissions (8):

GeneDx
Classification: Uncertain significance. Last evaluated: 2025-04-07. Review status: criteria provided, single submitter. Criteria: GeneDx Variant Classification Process June 2021. Collection method: clinical testing. Allele origin: germline. Affected: yes.
Comment: Reported with a second variant (phase unknown) in a patient with hearing loss in published literature (PMID: 36597107); In silico analysis indicates that this missense variant does not alter protein structure/function; This variant is associated with the following publications: (PMID: 36597107)

Labcorp Genetics (formerly Invitae), Labcorp
Classification: Likely benign. Last evaluated: 2024-03-27. Review status: criteria provided, single submitter. Criteria: Invitae Variant Classification Sherloc (09022015). Collection method: clinical testing. Allele origin: germline.

Blueprint Genetics
Classification: Uncertain significance. Last evaluated: 2024-02-29. Review status: criteria provided, single submitter. Criteria: ACMG Guidelines, 2015. Collection method: clinical testing. Allele origin: germline.

Ambry Genetics
Classification: Uncertain significance for Inborn genetic diseases. Last evaluated: 2023-03-13. Review status: criteria provided, single submitter. Criteria: Ambry Variant Classification Scheme 2023. Collection method: clinical testing. Allele origin: germline.

Illumina Laboratory Services, Illumina
Classification: Uncertain significance for Usher syndrome type 1D. Last evaluated: 2018-01-13. Review status: criteria provided, single submitter. Criteria: ICSL Variant Classification Criteria 13 December 2019. Collection method: clinical testing. Allele origin: germline.

Illumina Laboratory Services, Illumina
Classification: Uncertain significance for Autosomal recessive nonsyndromic hearing loss 12. Last evaluated: 2018-01-13. Review status: criteria provided, single submitter. Criteria: ICSL Variant Classification Criteria 13 December 2019. Collection method: clinical testing. Allele origin: germline.

Laboratory for Molecular Medicine, Mass General Brigham Personalized Medicine
Classification: Uncertain significance. Last evaluated: 2017-06-26. Review status: criteria provided, single submitter. Criteria: LMM Criteria. Collection method: clinical testing. Allele origin: germline. Observed: 1 variant allele.
Comment: The p.Gly3287Asp variant in CDH23 has not been previously reported in individual s with hearing loss. It has been reported in ClinVar (Variation ID 300477) with conflicting interpretations. It has also been identified in 0.1% (12/17020) East Asian chromosomes by the Genome Aggregation Database (gnomAD; dbSNP rs562590210). Although this variant has been seen in the general population, its frequency is not high enough to rule out a pathogenic ro le. Computational prediction tools and conservation analyses do not provide stro ng support for or against an impact to the protein. In summary, the clinical sig nificance of the p.Gly3287Asp variant is uncertain.

Natera, Inc.
Classification: Uncertain significance for Usher syndrome type 1. Last evaluated: 2020-02-13. Review status: no assertion criteria provided. Collection method: clinical testing. Allele origin: germline. Not counted in ClinVar's aggregate classification.